The following is an entry in ClinVar:

ClinVar aggregate classification (germline): Likely pathogenic (1 of 4 stars; one submission).

Submission:

Athena Diagnostics
Classification: Likely pathogenic. Last evaluated: 2022-04-21. Review status: criteria provided, single submitter. Criteria: Athena Diagnostics Criteria. Collection method: clinical testing. Allele origin: unknown.
Comment: This variant has been identified in at least one individual with Alzheimer disease. This variant has not been reported in large, multi-ethnic general populations. At least one other missense variant at this codon is considered to be pathogenic or likely pathogenic, suggesting this variant may also cause disease. Assessment of experimental evidence suggests this variant results in abnormal protein function. A study showed another variant resulting in the same amino acid change (Leu173Phe), led to an increase in beta-amyloid 42 levels and Ab42/40 ratio compared to wildtype (PMID: 19280102).

Literature cited by the submitters: PubMed 22906081; PubMed 19280102.

NM_000021.4(PSEN1):c.519G>T (p.Leu173Phe)

Gene: PSEN1 (presenilin 1; plus strand). Cytogenetic location: 14q24.2.
Variant type: single nucleotide variant.
Coding change: c.519G>T on transcript NM_000021.4 (MANE Select); coding-DNA position 519, G replaced by T.
Protein change: p.Leu173Phe; replaces leucine 173 with phenylalanine.
Molecular consequence: missense variant.
Genome position (GRCh38, 1-based): chr14:73,186,891, G>T. VCF-style: chr14-73186891-G-T. GRCh37 (hg19) VCF-style: chr14-73653599-G-T.
Other names: c.507G>T, p.Leu169Phe (NM_007318.3); short protein forms L169F, L173F.
Identifiers: ClinVar variation 1806838 (VCV001806838.1), dbSNP rs1555354581, ClinGen allele CA390296206.